The following is an entry in ClinVar:

NM_001378615.1(CC2D2A):c.1503_1505del (p.Lys501_Asp502delinsAsn)

Genes: FBXL5 (F-box and leucine rich repeat protein 5; minus strand), CC2D2A (coiled-coil and C2 domain containing 2A; plus strand). Cytogenetic location: 4p15.32.
Variant type: Deletion.
Coding change: c.1503_1505del on transcript NM_001378615.1 (MANE Select); coding-DNA positions 1503 to 1505, 3 bases deleted (AGA; older notation c.1503_1505delAGA).
Protein change: p.Lys501_Asp502delinsAsn.
Molecular consequence: inframe indel.
Genome position (GRCh38, 1-based): chr4:15,533,229-15,533,231, AGA deleted; deleting any 3 consecutive bases within chr4:15,533,228-15,533,231 gives the same sequence; the c. name uses the placement nearest the transcript's 3' end. VCF-style (leftmost placement, unchanged base first): chr4-15533227-AAAG-A. GRCh37 (hg19) VCF-style: chr4-15534850-AAAG-A.
Other names: c.1503_1505delAGA (NM_001080522.2); c.1503_1505del, p.Lys501_Asp502delinsAsn (NM_001080522.2); c.1356_1358del, p.Lys452_Asp453delinsAsn (NM_001378617.1).
Identifiers: ClinVar variation 217613 (VCV000217613.3), dbSNP rs863225177, ClinGen allele CA279359.

ClinVar aggregate classification (germline): Conflicting classifications of pathogenicity. Review status: criteria provided, conflicting classifications (1 of 4 stars). 2 submissions from 2 submitters: Pathogenic (1); Uncertain significance (1). Last evaluated 2024-03-07.

Conditions:
Joubert syndrome 9 (JBTS9). Identifiers: Orphanet 2318, MedGen C2676788, MONDO:0012849, OMIM 612285.
Joubert syndrome. Also called: Familial aplasia of the vermis; JOUBERT-BOLTSHAUSER SYNDROME. Identifiers: Orphanet 475, MedGen C5979921, MONDO:0018772.
Meckel-Gruber syndrome. Also called: Dysencephalia splachnocystica; DYSENCEPHALIA SPLANCHNOCYSTICA; GRUBER SYNDROME. Identifiers: Orphanet 564, MedGen C0265215, MONDO:0018921.

Submissions (2):

Labcorp Genetics (formerly Invitae), Labcorp
Classification: Uncertain significance for Joubert syndrome; Meckel-Gruber syndrome. Last evaluated: 2024-03-07. Review status: criteria provided, single submitter. Criteria: Invitae Variant Classification Sherloc (09022015). Collection method: clinical testing. Allele origin: germline.
Comment: This variant, c.1503_1505del, is a complex sequence change that results in the deletion of 2 and insertion of 1 amino acid(s) in the CC2D2A protein (p.Lys501_Asp502delinsAsn). This variant is not present in population databases (gnomAD no frequency). This variant has been observed in individual(s) with Joubert syndrome (PMID: 26092869). ClinVar contains an entry for this variant (Variation ID: 217613). Experimental studies and prediction algorithms are not available or were not evaluated, and the functional significance of this variant is currently unknown. In summary, the available evidence is currently insufficient to determine the role of this variant in disease. Therefore, it has been classified as a Variant of Uncertain Significance.

UW Hindbrain Malformation Research Program, University of Washington
Classification: Pathogenic for Joubert syndrome 9. Last evaluated: 2015-02-23. Review status: criteria provided, single submitter. Criteria: Bachmann-Gagescu et al. (J Med Genet. 2015). Collection method: research. Allele origin: unknown. Affected: yes.

Literature cited by the submitters: PubMed 26092869 (cited by Labcorp Genetics (formerly Invitae), Labcorp).